The following is an entry in ClinVar:

NM_001161352.2(KCNMA1):c.378+487A>C

Gene: KCNMA1 (potassium calcium-activated channel subfamily M alpha 1; minus strand). Cytogenetic location: 10q22.3.
Variant type: single nucleotide variant.
Coding change: c.378+487A>C on transcript NM_001161352.2 (MANE Select); 487 bases into the intron after coding-DNA position 378, A replaced by C.
Molecular consequence: intron variant. On other transcripts: synonymous variant (1).
Genome position (GRCh38, 1-based): chr10:77,636,778, T>G on the plus strand (A>C on the coding strand, the complement: KCNMA1 is on the minus strand). VCF-style: chr10-77636778-T-G. GRCh37 (hg19) VCF-style: chr10-79396536-T-G.
Other names: c.607A>C, p.Arg203= (NM_001271520.2); c.378+487A>C (NM_001271518.2, NM_001322832.2, NM_001410940.1 and 9 more transcripts); c.379-263A>C (NM_001271522.2); c.379-209A>C (NM_001271521.2); c.491+116A>C (NM_001322839.2).
Identifiers: ClinVar variation 3044925 (VCV003044925.2), dbSNP rs2552274913, ClinGen allele CA2740093039.

ClinVar aggregate classification (germline): Likely benign (0 of 4 stars; one submission).

Conditions:
KCNMA1-related disorder. Also called: KCNMA1-related disorders; KCNMA1-related condition.

Submission:

PreventionGenetics, part of Exact Sciences
Classification: Likely benign for KCNMA1-related condition. Last evaluated: 2022-11-28. Review status: no assertion criteria provided. Collection method: clinical testing. Allele origin: germline.
Comment: This variant is classified as likely benign based on ACMG/AMP sequence variant interpretation guidelines (Richards et al. 2015 PMID: 25741868, with internal and published modifications).